The following is an entry in ClinVar:

NM_001386298.1(CIC):c.6826C>T (p.Pro2276Ser)

Gene: CIC (capicua transcriptional repressor; plus strand). Cytogenetic location: 19q13.2.
Variant type: single nucleotide variant.
Coding change: c.6826C>T on transcript NM_001386298.1 (MANE Select); coding-DNA position 6826, C replaced by T.
Protein change: p.Pro2276Ser; replaces proline 2276 with serine.
Molecular consequence: missense variant.
Genome position (GRCh38, 1-based): chr19:42,293,993, C>T. VCF-style: chr19-42293993-C-T. GRCh37 (hg19) VCF-style: chr19-42798145-C-T.
Other names: c.6826C>T, p.Pro2276Ser (NM_001304815.2); c.6823C>T, p.Pro2275Ser (NM_001379480.1, NM_001379482.1); c.4099C>T, p.Pro1367Ser (NM_001379484.1, NM_015125.5); c.4096C>T, p.Pro1366Ser (NM_001379485.1); short protein forms P1366S, P1367S, P2275S, P2276S.
Identifiers: ClinVar variation 1306556 (VCV001306556.2), dbSNP rs2147339626, ClinGen allele CA406120830.

ClinVar aggregate classification (germline): Uncertain significance (1 of 4 stars; one submission).

Submission:

GeneDx
Classification: Uncertain significance. Last evaluated: 2019-06-17. Review status: criteria provided, single submitter. Criteria: GeneDx Variant Classification Process June 2021. Collection method: clinical testing. Allele origin: germline. Affected: yes.
Comment: Not observed in large population cohorts (Lek et al., 2016); In silico analysis, which includes protein predictors and evolutionary conservation, supports a deleterious effect; Has not been previously published as pathogenic or benign to our knowledge